The following is an entry in ClinVar:

ClinVar aggregate classification (germline): Uncertain significance (1 of 4 stars; one submission).

gnomAD v4.1: 41 of 1,611,960 alleles (0.0025%); highest among the groups gnomAD compares: Non-Finnish European, 0.0035%; no homozygotes.

Submission:

Women's Health and Genetics/Laboratory Corporation of America, LabCorp
Classification: Uncertain significance. Last evaluated: 2022-06-23. Review status: criteria provided, single submitter. Criteria: LabCorp Variant Classification Summary - May 2015. Collection method: clinical testing. Allele origin: germline.
Comment: Variant summary: RANBP2 c.737C>G (p.Thr246Arg) results in a non-conservative amino acid change in the encoded protein sequence. Four of five in-silico tools predict a benign effect of the variant on protein function. The variant was absent in 251078 control chromosomes (gnomAD). The available data on variant occurrences in the general population are insufficient to allow any conclusion about variant significance. To our knowledge, no occurrence of c.737C>G in individuals affected with Familial Acute Necrotizing Encephalopathy and no experimental evidence demonstrating its impact on protein function have been reported. No clinical diagnostic laboratories have submitted clinical-significance assessments for this variant to ClinVar after 2014. Based on the evidence outlined above, the variant was classified as uncertain significance.

NM_006267.5(RANBP2):c.737C>G (p.Thr246Arg)

Gene: RANBP2 (RAN binding protein 2; plus strand). Cytogenetic location: 2q13.
Variant type: single nucleotide variant.
Coding change: c.737C>G on transcript NM_006267.5 (MANE Select); coding-DNA position 737, C replaced by G.
Protein change: p.Thr246Arg; replaces threonine 246 with arginine.
Molecular consequence: missense variant.
Genome position (GRCh38, 1-based): chr2:108,736,204, C>G. VCF-style: chr2-108736204-C-G. GRCh37 (hg19) VCF-style: chr2-109352660-C-G.
Other names: short protein forms T246R.
Identifiers: ClinVar variation 1698624 (VCV001698624.1), dbSNP rs770986482, ClinGen allele CA348041878.
Genomic context (GRCh38, chr2:108,736,204, plus strand): 5'-GTGACTGGCGAGCAACCAATACAGACTTACTGCTGGCCTATGCTAATCTTATGCTTCTTA[C>G]GCTTTCCACTAGAGATGTGCAGGAAAGTAGAGAATTACTGCAAAGGTACGTTGACTTTGA-3'
Protein context (NP_006258.3, residues 236-256): LLAYANLMLL[Thr246Arg]LSTRDVQESR